The following is an entry in ClinVar:

NM_000035.4(ALDOB):c.517C>T (p.Arg173Cys)

Gene: ALDOB (aldolase, fructose-bisphosphate B; minus strand). Cytogenetic location: 9q31.1.
Variant type: single nucleotide variant.
Coding change: c.517C>T on transcript NM_000035.4 (MANE Select); coding-DNA position 517, C replaced by T.
Protein change: p.Arg173Cys; replaces arginine 173 with cysteine.
Molecular consequence: missense variant.
Genome position (GRCh38, 1-based): chr9:101,427,505, G>A on the plus strand (C>T on the coding strand, the complement: ALDOB is on the minus strand). VCF-style: chr9-101427505-G-A. GRCh37 (hg19) VCF-style: chr9-104189787-G-A.
Other names: short protein forms R173C.
Identifiers: ClinVar variation 1387609 (VCV001387609.4), dbSNP rs778058461, ClinGen allele CA5161577.
Genomic context (GRCh38, chr9:101,427,505, plus strand): 5'-GCCTACTCTTTTTCAGCCCAAGGGGAAGGCAGAGCACCTGCTGACAGATGCTGGCGTAGC[G>A]AGCCAGGGCGTTGGCGTTTTCCTGGATAGCGAGGCTGGATGGACACTGGTCGGCAATCCT-3'
Protein context (NP_000026.2, residues 163-183): AIQENANALA[Arg173Cys]YASICQQNGL

ClinVar aggregate classification (germline): Uncertain significance. Review status: criteria provided, multiple submitters, no conflicts (2 of 4 stars). 2 submissions from 2 submitters: Uncertain significance (2). Last evaluated 2021-11-22.

Conditions:
Hereditary fructosuria. Also called: ALDOB DEFICIENCY; ALDOLASE B DEFICIENCY; FRUCTOSE-1,6-BISPHOSPHATE ALDOLASE B DEFICIENCY; FRUCTOSE-1-PHOSPHATE ALDOLASE DEFICIENCY; FRUCTOSEMIA; Fructose intolerance. Identifiers: Orphanet 469, MedGen C0016751, MONDO:0009249, OMIM 229600, HP:0005973. Disease mechanism: loss of function.

Allele frequency attached by ClinVar (database versions not stated): gnomAD 0.00003 and 0.00004; TOPMed 0.00005.

Submissions (2):

Labcorp Genetics (formerly Invitae), Labcorp
Classification: Uncertain significance for Hereditary fructosuria. Last evaluated: 2021-11-22. Review status: criteria provided, single submitter. Criteria: Invitae Variant Classification Sherloc (09022015). Collection method: clinical testing. Allele origin: germline.
Comment: This sequence change replaces arginine, which is basic and polar, with cysteine, which is neutral and slightly polar, at codon 173 of the ALDOB protein (p.Arg173Cys). This variant is present in population databases (rs778058461, gnomAD 0.007%). This variant has not been reported in the literature in individuals affected with ALDOB-related conditions. Algorithms developed to predict the effect of missense changes on protein structure and function (SIFT, PolyPhen-2, Align-GVGD) all suggest that this variant is likely to be disruptive. In summary, the available evidence is currently insufficient to determine the role of this variant in disease. Therefore, it has been classified as a Variant of Uncertain Significance.

Breakthrough Genomics
Classification: Uncertain significance. Review status: criteria provided, single submitter. Criteria: ACMG Guidelines, 2015. Collection method: not provided. Allele origin: germline. Inheritance: Autosomal recessive inheritance. Affected: yes.